The following is an entry in ClinVar:

NM_024528.4(NKAP):c.22C>T (p.Arg8Cys)

Gene: NKAP (NFKB activating protein; minus strand). Cytogenetic location: Xq24.
Variant type: single nucleotide variant.
Coding change: c.22C>T on transcript NM_024528.4 (MANE Select); coding-DNA position 22, C replaced by T.
Protein change: p.Arg8Cys; replaces arginine 8 with cysteine.
Molecular consequence: missense variant.
Genome position (GRCh38, 1-based): chrX:119,943,584, G>A on the plus strand (C>T on the coding strand, the complement: NKAP is on the minus strand). VCF-style: chrX-119943584-G-A. GRCh37 (hg19) VCF-style: chrX-119077547-G-A.
Other names: short protein forms R8C.
Identifiers: ClinVar variation 4535298 (VCV004535298.6).
Genomic context (GRCh38, chrX:119,943,584, plus strand): 5'-GACTCTTCGACGAACTGCGACGTCTTCCCCCCGAGCCCGAGGCCTCCCTATCCGGGCTGC[G>A]TGAGCCGGACACCGGAGCCATGGCTACTGGGGGGCCCCAGCAGCCGTGGGACAAGGGGGC-3'
Protein context (NP_078804.2, residues 1-18): MAPVSGS[Arg8Cys]SPDREASGSG

ClinVar aggregate classification (germline): Uncertain significance (1 of 4 stars; one submission).

Submission:

CeGaT Center for Human Genetics Tuebingen
Classification: Uncertain significance. Last evaluated: 2025-11-01. Review status: criteria provided, single submitter. Criteria: CeGaT Center For Human Genetics Tuebingen Variant Classification Criteria Version 2. Collection method: clinical testing. Allele origin: germline. Affected: yes. Observed: 1 variant allele.
Comment: NKAP: PM2